The following is an entry in ClinVar:

NM_003055.3(SLC18A3):c.932C>A (p.Thr311Asn)

Genes: CHAT (choline O-acetyltransferase; plus strand), SLC18A3 (solute carrier family 18 member A3; plus strand). Cytogenetic location: 10q11.23.
Variant type: single nucleotide variant.
Coding change: c.932C>A on transcript NM_003055.3 (MANE Select); coding-DNA position 932, C replaced by A.
Protein change: p.Thr311Asn; replaces threonine 311 with asparagine.
Molecular consequence: missense variant. On other transcripts: intron variant (1).
Genome position (GRCh38, 1-based): chr10:49,611,672, C>A. VCF-style: chr10-49611672-C-A. GRCh37 (hg19) VCF-style: chr10-50819718-C-A.
Other names: c.-69+2473C>A (NM_020984.4); short protein forms T311N.
Identifiers: ClinVar variation 1449961 (VCV001449961.8), dbSNP rs1296151247, ClinGen allele CA376721277.

ClinVar aggregate classification (germline): Uncertain significance. Review status: criteria provided, multiple submitters, no conflicts (2 of 4 stars). 2 submissions from 2 submitters: Uncertain significance (2). Last evaluated 2025-04-28.

Conditions:
Inborn genetic diseases. Identifiers: MedGen C0950123, MeSH D030342.

Allele frequency attached by ClinVar (database versions not stated): TOPMed below 0.00001.
gnomAD v4.1: 2 of 1,611,404 alleles (0.00012%); highest among the groups gnomAD compares: Admixed American, 0.0033%; no homozygotes.

Submissions (2):

Ambry Genetics
Classification: Uncertain significance for Inborn genetic diseases. Last evaluated: 2025-04-28. Review status: criteria provided, single submitter. Criteria: Ambry Variant Classification Scheme 2023. Collection method: clinical testing. Allele origin: germline.

Labcorp Genetics (formerly Invitae), Labcorp
Classification: Uncertain significance. Last evaluated: 2022-08-15. Review status: criteria provided, single submitter. Criteria: Invitae Variant Classification Sherloc (09022015). Collection method: clinical testing. Allele origin: germline.
Comment: In summary, the available evidence is currently insufficient to determine the role of this variant in disease. Therefore, it has been classified as a Variant of Uncertain Significance. Algorithms developed to predict the effect of missense changes on protein structure and function (SIFT, PolyPhen-2, Align-GVGD) all suggest that this variant is likely to be disruptive. ClinVar contains an entry for this variant (Variation ID: 1449961). This variant has not been reported in the literature in individuals affected with SLC18A3-related conditions. This variant is not present in population databases (gnomAD no frequency). This sequence change replaces threonine, which is neutral and polar, with asparagine, which is neutral and polar, at codon 311 of the SLC18A3 protein (p.Thr311Asn).